The following is an entry in ClinVar:

ClinVar aggregate classification (germline): Uncertain significance. Review status: criteria provided, multiple submitters, no conflicts (2 of 4 stars). 2 submissions from 2 submitters: Uncertain significance (2). Last evaluated 2025-01-22.

Conditions:
Inborn genetic diseases. Identifiers: MedGen C0950123, MeSH D030342.

Allele frequency attached by ClinVar (database versions not stated): gnomAD exomes 0.00001; ExAC 0.00002; gnomAD 0.00005; TOPMed 0.00005; ESP Exome Variant Server 0.00008.

Submissions (2):

Ambry Genetics
Classification: Uncertain significance for Inborn genetic diseases. Last evaluated: 2025-01-22. Review status: criteria provided, single submitter. Criteria: Ambry Variant Classification Scheme 2023. Collection method: clinical testing. Allele origin: germline.

GeneDx
Classification: Uncertain significance. Last evaluated: 2023-12-28. Review status: criteria provided, single submitter. Criteria: GeneDx Variant Classification Process June 2021. Collection method: clinical testing. Allele origin: germline. Affected: yes.
Comment: In silico analysis supports that this missense variant has a deleterious effect on protein structure/function; Has not been previously published as pathogenic or benign to our knowledge

NM_173689.7(CRB2):c.2465G>A (p.Cys822Tyr)

Gene: CRB2 (crumbs cell polarity complex component 2; plus strand). Cytogenetic location: 9q33.3.
Variant type: single nucleotide variant.
Coding change: c.2465G>A on transcript NM_173689.7 (MANE Select); coding-DNA position 2465, G replaced by A.
Protein change: p.Cys822Tyr; replaces cysteine 822 with tyrosine.
Molecular consequence: missense variant. On other transcripts: non-coding transcript variant (1).
Genome position (GRCh38, 1-based): chr9:123,372,205, G>A. VCF-style: chr9-123372205-G-A. GRCh37 (hg19) VCF-style: chr9-126134484-G-A.
Other names: c.2465G>A (NM_173689.5); short protein forms C822Y.
Identifiers: ClinVar variation 1707247 (VCV001707247.4), dbSNP rs371223827, ClinGen allele CA5232231.